The following is an entry in ClinVar:

NM_005431.2(XRCC2):c.319A>G (p.Ile107Val)

Gene: XRCC2 (X-ray repair cross complementing 2; minus strand). Cytogenetic location: 7q36.1.
Variant type: single nucleotide variant.
Coding change: c.319A>G on transcript NM_005431.2 (MANE Select); coding-DNA position 319, A replaced by G.
Protein change: p.Ile107Val; replaces isoleucine 107 with valine.
Molecular consequence: missense variant.
Genome position (GRCh38, 1-based): chr7:152,649,166, T>C on the plus strand (A>G on the coding strand, the complement: XRCC2 is on the minus strand). VCF-style: chr7-152649166-T-C. GRCh37 (hg19) VCF-style: chr7-152346251-T-C.
Other names: short protein forms I107V.
Identifiers: ClinVar variation 1728756 (VCV001728756.2), dbSNP rs2485881625, ClinGen allele CA370198960.

ClinVar aggregate classification (germline): Uncertain significance (1 of 4 stars; one submission).

Conditions:
Hereditary cancer-predisposing syndrome. Also called: Tumor predisposition; Neoplastic Syndromes, Hereditary; Hereditary Cancer Syndrome; Hereditary neoplastic syndrome. Identifiers: Orphanet 140162, MedGen C0027672, MeSH D009386, MONDO:0015356.

Submission:

Ambry Genetics
Classification: Uncertain significance for Hereditary cancer-predisposing syndrome. Last evaluated: 2021-07-18. Review status: criteria provided, single submitter. Criteria: Ambry Variant Classification Scheme 2023. Collection method: clinical testing. Allele origin: germline.
Comment: The p.I107V variant (also known as c.319A>G), located in coding exon 3 of the XRCC2 gene, results from an A to G substitution at nucleotide position 319. The isoleucine at codon 107 is replaced by valine, an amino acid with highly similar properties. This amino acid position is conserved. In addition, this alteration is predicted to be tolerated by in silico analysis. Since supporting evidence is limited at this time, the clinical significance of this alteration remains unclear.